The following is an entry in ClinVar:

NM_000051.4(ATM):c.490T>A (p.Trp164Arg)

Gene: ATM (ATM serine/threonine kinase; plus strand). Cytogenetic location: 11q22.3.
Variant type: single nucleotide variant.
Coding change: c.490T>A on transcript NM_000051.4 (MANE Select); coding-DNA position 490, T replaced by A.
Protein change: p.Trp164Arg; replaces tryptophan 164 with arginine.
Molecular consequence: missense variant.
Genome position (GRCh38, 1-based): chr11:108,235,828, T>A. VCF-style: chr11-108235828-T-A. GRCh37 (hg19) VCF-style: chr11-108106555-T-A.
Other names: c.490T>A, p.Trp164Arg (NM_001351834.2); short protein forms W164R.
Identifiers: ClinVar variation 4827588 (VCV004827588.1).

ClinVar aggregate classification (germline): Uncertain significance (1 of 4 stars; one submission).

Conditions:
Hereditary cancer-predisposing syndrome. Also called: Neoplastic Syndromes, Hereditary; Tumor predisposition; Hereditary Cancer Syndrome; Hereditary neoplastic syndrome. Identifiers: Orphanet 140162, MedGen C0027672, MeSH D009386, MONDO:0015356.

Submission:

Ambry Genetics
Classification: Uncertain significance for Hereditary cancer-predisposing syndrome. Last evaluated: 2026-03-02. Review status: criteria provided, single submitter. Criteria: Ambry Variant Classification Scheme 2023. Collection method: clinical testing. Allele origin: germline.
Comment: The p.W164R variant (also known as c.490T>A), located in coding exon 4 of the ATM gene, results from a T to A substitution at nucleotide position 490. The tryptophan at codon 164 is replaced by arginine, an amino acid with dissimilar properties. This amino acid position is highly conserved in available vertebrate species. In addition, this alteration is predicted to be deleterious by in silico analysis. Based on the available evidence, the clinical significance of this variant remains unclear.